The following is an entry in ClinVar:

NM_000053.4(ATP7B):c.1657G>A (p.Ala553Thr)

Gene: ATP7B (ATPase copper transporting beta; minus strand). Cytogenetic location: 13q14.3.
Variant type: single nucleotide variant.
Coding change: c.1657G>A on transcript NM_000053.4 (MANE Select); coding-DNA position 1657, G replaced by A.
Protein change: p.Ala553Thr; replaces alanine 553 with threonine.
Molecular consequence: missense variant. On other transcripts: intron variant (1).
Genome position (GRCh38, 1-based): chr13:51,968,494, C>T on the plus strand (G>A on the coding strand, the complement: ATP7B is on the minus strand). VCF-style: chr13-51968494-C-T. GRCh37 (hg19) VCF-style: chr13-52542630-C-T.
Other names: p.Ala553Thr; c.1657G>A, p.Ala553Thr (NM_001406512.1, NM_001406513.1, NM_001406515.1 and 26 more transcripts); c.1624G>A, p.Ala542Thr (NM_001406514.1, NM_001406524.1); c.1561G>A, p.Ala521Thr (NM_001406517.1, NM_001406518.1, NM_001406536.1 and 3 more transcripts); c.1228G>A, p.Ala410Thr (NM_001406539.1); c.1657G>A (NM_000053.3); c.1324G>A, p.Ala442Thr (NM_001243182.2); c.1285+5441G>A (NM_001406548.1); short protein forms A410T, A442T, A521T, A542T, A553T.
Identifiers: ClinVar variation 3070422 (VCV003070422.4), dbSNP rs2547778141, ClinGen allele CA388032824.
Genomic context (GRCh38, chr13:51,968,494, plus strand): 5'-CAGTACTTACTGTCAGCTCAATGTTGCCATCGGAGCCTGCGTAGTCCTCCATGACTGCTG[C>T]CTCAAAACCCAGGTCCTGGATGAACTGAGCTATCTCGAGGGGCTGGATGACCTCTGGGTC-3'
Protein context (NP_000044.2, residues 543-563): AQFIQDLGFE[Ala553Thr]AVMEDYAGSD

ClinVar aggregate classification (germline): Uncertain significance. Review status: criteria provided, multiple submitters, no conflicts (2 of 4 stars). 4 submissions from 4 submitters: Uncertain significance (3). 1 of the submissions does not count toward it. Last evaluated 2025-09-25.

Conditions:
Wilson disease (WND). Also called: Wilson's disease. Identifiers: Orphanet 905, MedGen C0019202, MONDO:0010200, OMIM 277900. Disease mechanism: loss of function.

Submissions (4):

Mayo Clinic Laboratories, Mayo Clinic
Classification: Uncertain significance. Last evaluated: 2025-09-25. Review status: criteria provided, single submitter. Criteria: ACMG Guidelines, 2015. Collection method: clinical testing. Allele origin: germline. Observed: 1 variant allele.
Comment: PM2_supporting

All of Us Research Program, National Institutes of Health
Classification: Uncertain significance for Wilson disease. Last evaluated: 2023-04-10. Review status: criteria provided, single submitter. Criteria: ACMG Guidelines, 2015. Collection method: clinical testing. Allele origin: germline. Inheritance: Autosomal recessive inheritance. Observed: 1 variant allele, 1 heterozygote.
Comment: This missense variant replaces alanine with threonine at codon 553 of the ATP7B protein. Computational prediction is inconclusive regarding the impact of this variant on protein structure and function (internally defined REVEL score threshold 0.5 < inconclusive < 0.7, PMID: 27666373). To our knowledge, functional studies have not been reported for this variant. This variant has not been reported in individuals affected with ATP7B-related disorders in the literature. This variant has not been identified in the general population by the Genome Aggregation Database (gnomAD). The available evidence is insufficient to determine the role of this variant in disease conclusively. Therefore, this variant is classified as a Variant of Uncertain Significance.

This study involves interpretation of variants in research participants for the purpose of population health screening. Participant phenotype was not available at the time of variant classification. Additional details can be found in publication PMID: 35346344, PMCID: PMC8962531

Color Diagnostics, LLC DBA Color Health
Classification: Uncertain significance for Wilson disease. Last evaluated: 2023-03-29. Review status: criteria provided, single submitter. Criteria: ACMG Guidelines, 2015. Collection method: clinical testing. Allele origin: germline.
Comment: This missense variant replaces alanine with threonine at codon 553 of the ATP7B protein. Computational prediction is inconclusive regarding the impact of this variant on protein structure and function. To our knowledge, functional studies have not been reported for this variant. This variant has not been reported in individuals affected with ATP7B-related disorders in the literature. This variant has not been identified in the general population by the Genome Aggregation Database (gnomAD). The available evidence is insufficient to determine the role of this variant in disease conclusively. Therefore, this variant is classified as a Variant of Uncertain Significance.

Natera, Inc.
Classification: Uncertain significance for Wilson disease. Last evaluated: 2025-04-08. Review status: no assertion criteria provided. Collection method: clinical testing. Allele origin: germline. Not counted in ClinVar's aggregate classification.